The following is an entry in ClinVar:

ClinVar aggregate classification (germline): Uncertain significance. Review status: criteria provided, multiple submitters, no conflicts (2 of 4 stars). 3 submissions from 3 submitters: Uncertain significance (3). Last evaluated 2025-11-26.

Conditions:
Inborn genetic diseases. Identifiers: MedGen C0950123, MeSH D030342.

Allele frequency attached by ClinVar (database versions not stated): ExAC 0.00001; gnomAD 0.00001 and 0.00002; gnomAD exomes 0.00001; TOPMed 0.00002.
gnomAD v4.1: 23 of 1,609,070 alleles (0.0014%); highest among the groups gnomAD compares: Middle Eastern, 0.016%; no homozygotes.

Submissions (3):

Ambry Genetics
Classification: Uncertain significance for Inborn genetic diseases. Last evaluated: 2025-11-26. Review status: criteria provided, single submitter. Criteria: Ambry Variant Classification Scheme 2023. Collection method: clinical testing. Allele origin: germline.

Labcorp Genetics (formerly Invitae), Labcorp
Classification: Uncertain significance. Last evaluated: 2025-05-19. Review status: criteria provided, single submitter. Criteria: Invitae Variant Classification Sherloc (09022015). Collection method: clinical testing. Allele origin: germline.
Comment: This sequence change replaces alanine, which is neutral and non-polar, with valine, which is neutral and non-polar, at codon 508 of the GFM2 protein (p.Ala508Val). The frequency data for this variant in the population databases is considered unreliable, as metrics indicate poor data quality at this position in the gnomAD database. This variant has not been reported in the literature in individuals affected with GFM2-related conditions. ClinVar contains an entry for this variant (Variation ID: 214515). Invitae Evidence Modeling of protein sequence and biophysical properties (such as structural, functional, and spatial information, amino acid conservation, physicochemical variation, residue mobility, and thermodynamic stability) indicates that this missense variant is not expected to disrupt GFM2 protein function with a negative predictive value of 80%. In summary, the available evidence is currently insufficient to determine the role of this variant in disease. Therefore, it has been classified as a Variant of Uncertain Significance.

GeneDx
Classification: Uncertain significance. Last evaluated: 2015-01-05. Review status: criteria provided, single submitter. Criteria: GeneDx Variant Classification (06012015). Collection method: clinical testing. Allele origin: germline. Affected: yes.
Comment: p.Ala508Val (GCG>GTG): c.1523 C>T in exon 16 of the GFM2 gene (NM_032380.3). The A508V variant has not been published as a mutation, nor has it been reported as a benign polymorphism to our knowledge. The A508V variant is a conservative amino acid substitution, which is not likely to impact secondary protein structure as these residues share similar properties. This substitution occurs at a position that is conserved across species. In silico analysis is inconsistent in its predictions as to whether or not the variant is damaging to the protein structure/function. Therefore, based on the currently available information, it is unclear whether this variant is a pathogenic mutation or a rare benign variant. The variant is found in MITONUC-MITOP panel(s).

NM_032380.5(GFM2):c.1523C>T (p.Ala508Val)

Gene: GFM2 (GTP dependent ribosome recycling factor mitochondrial 2; minus strand). Cytogenetic location: 5q13.3.
Variant type: single nucleotide variant.
Coding change: c.1523C>T on transcript NM_032380.5 (MANE Select); coding-DNA position 1523, C replaced by T.
Protein change: p.Ala508Val; replaces alanine 508 with valine.
Molecular consequence: missense variant. On other transcripts: non-coding transcript variant (1).
Genome position (GRCh38, 1-based): chr5:74,733,086, G>A on the plus strand (C>T on the coding strand, the complement: GFM2 is on the minus strand). VCF-style: chr5-74733086-G-A. GRCh37 (hg19) VCF-style: chr5-74028911-G-A.
Other names: p.A508V:GCG>GTG; c.1619C>T, p.Ala540Val (NM_001281302.2); c.1382C>T, p.Ala461Val (NM_170691.3); short protein forms A508V, A540V, A461V.
Identifiers: ClinVar variation 214515 (VCV000214515.7), dbSNP rs747081870, ClinGen allele CA322937.